The following is an entry in ClinVar:

NM_013275.6(ANKRD11):c.7699C>T (p.Pro2567Ser)

Gene: ANKRD11 (ankyrin repeat domain 11; minus strand). Cytogenetic location: 16q24.3.
Variant type: single nucleotide variant.
Coding change: c.7699C>T on transcript NM_013275.6 (MANE Select); coding-DNA position 7699, C replaced by T.
Protein change: p.Pro2567Ser; replaces proline 2567 with serine.
Molecular consequence: missense variant.
Genome position (GRCh38, 1-based): chr16:89,274,828, G>A on the plus strand (C>T on the coding strand, the complement: ANKRD11 is on the minus strand). VCF-style: chr16-89274828-G-A. GRCh37 (hg19) VCF-style: chr16-89341236-G-A.
Other names: c.7699C>T, p.Pro2567Ser (NM_001256182.2, NM_001256183.2); short protein forms P2567S.
Identifiers: ClinVar variation 2503364 (VCV002503364.2), dbSNP rs2544178627, ClinGen allele CA397147473.

ClinVar aggregate classification (germline): Uncertain significance (1 of 4 stars; one submission).

Submission:

GeneDx
Classification: Uncertain significance. Last evaluated: 2024-11-03. Review status: criteria provided, single submitter. Criteria: GeneDx Variant Classification Process June 2021. Collection method: clinical testing. Allele origin: germline.
Comment: Not observed at significant frequency in large population cohorts (gnomAD); In silico analysis supports that this missense variant has a deleterious effect on protein structure/function; Has not been previously published as pathogenic or benign to our knowledge